The following is an entry in ClinVar:

ClinVar aggregate classification (germline): Likely benign. Review status: criteria provided, multiple submitters, no conflicts (2 of 4 stars). 2 submissions from 2 submitters: Likely benign (2). Last evaluated 2025-05-23.

Conditions:
Autosomal recessive limb-girdle muscular dystrophy type 2J (LGMDR10). Also called: Limb-girdle muscular dystrophy, type 2J; MUSCULAR DYSTROPHY, LIMB-GIRDLE, AUTOSOMAL RECESSIVE 10. Identifiers: Orphanet 140922, MedGen C1837342, MONDO:0012127, OMIM 608807.
Dilated cardiomyopathy 1G (CMD1G). Identifiers: Orphanet 154, MedGen C1858763, MONDO:0011400, OMIM 604145.

Allele frequency attached by ClinVar (database versions not stated): TOPMed below 0.00001.

Submissions (2):

Labcorp Genetics (formerly Invitae), Labcorp
Classification: Likely benign for Dilated cardiomyopathy 1G; Autosomal recessive limb-girdle muscular dystrophy type 2J. Last evaluated: 2025-05-23. Review status: criteria provided, single submitter. Criteria: Invitae Variant Classification Sherloc (09022015). Collection method: clinical testing. Allele origin: germline.

CeGaT Center for Human Genetics Tuebingen
Classification: Likely benign. Last evaluated: 2022-12-01. Review status: criteria provided, single submitter. Criteria: CeGaT Center For Human Genetics Tuebingen Variant Classification Criteria Version 2. Collection method: clinical testing. Allele origin: germline. Affected: yes. Observed: 1 variant allele.
Comment: TTN: PM2:Supporting, BP4, BP7

NM_001267550.2(TTN):c.66792T>C (p.Asp22264=)

Genes: TTN (titin; minus strand), TTN-AS1 (TTN antisense RNA 1; plus strand). Cytogenetic location: 2q31.2.
Variant type: single nucleotide variant.
Coding change: c.66792T>C on transcript NM_001267550.2 (MANE Select); coding-DNA position 66792, T replaced by C.
Protein change: p.Asp22264=; no amino-acid change (aspartic acid 22264 retained).
Molecular consequence: synonymous variant.
Genome position (GRCh38, 1-based): chr2:178,580,587, A>G on the plus strand (T>C on the coding strand, the complement: TTN is on the minus strand). VCF-style: chr2-178580587-A-G. GRCh37 (hg19) VCF-style: chr2-179445314-A-G.
Other names: c.61869T>C, p.Asp20623= (NM_001256850.1); c.39597T>C, p.Asp13199= (NM_003319.4); c.59088T>C, p.Asp19696= (NM_133378.4); c.39972T>C, p.Asp13324= (NM_133432.3); c.40173T>C, p.Asp13391= (NM_133437.4).
Identifiers: ClinVar variation 700086 (VCV000700086.39), dbSNP rs1575895118, ClinGen allele CA430262469.